The following is an entry in ClinVar:

ClinVar aggregate classification (germline): Pathogenic (3 of 4 stars; one submission).

Conditions:
Glanzmann thrombasthenia. Also called: BLEEDING DISORDER, PLATELET-TYPE, 2; THROMBASTHENIA OF GLANZMANN AND NAEGELI; Thrombasthenia; PLATELET GLYCOPROTEIN IIb-IIIa DEFICIENCY; Glanzmann's thrombasthenia. Identifiers: Orphanet 849, MedGen C0040015, MONDO:0100326.

Submission:

ClinGen Platelet Disorders Variant Curation Expert Panel, ClinGen
Classification: Pathogenic for Glanzmann thrombasthenia. Last evaluated: 2023-03-21. Review status: reviewed by expert panel. Criteria: ClinGen Platelet ACMG Specifications v2-1. Collection method: curation. Allele origin: germline. Inheritance: Autosomal recessive inheritance.
Comment: The NM_000212.3(ITGB3):c.812dup variant is a frameshift variant in exon 6 predicted to cause a premature stop codon in exon 6/15 leading to nonsense mediated decay in a gene in which loss-of-function is an established disease mechanism (PVS1). At least one patient (Patient 12 in PMID:15748237) with this variant displayed mucocutaneous bleeding and impaired aggregation with all agonists except ristocetin, which is highly specific for Glanzmann thrombasthenia (PP4_moderate). Additionally, αIIbβ3 surface expression was reduced to 0%, as measured by flow cytometry. Patient 12 (PMID:15748237) is homozygous for this variant (0.5pt; PM3_Supporting). The variant is absent from gnomAD, PM2_Supporting). In summary, this variant meets the criteria to be classified as Pathogenic for autosomal recessive Glanzmann Thrombasthenia based on the ACMG/AMP criteria applied, as specified by the ClinGen PD VCEP: PVS1, PP4_Moderate, PM2_Supporting, PM3_Supporting (VCEP specifications version 2.1).

NM_000212.3(ITGB3):c.812dup (p.Leu271fs)

Genes: ITGB3 (integrin subunit beta 3; plus strand), LOC130061045 (ATAC-STARR-seq lymphoblastoid active region 12309; plus strand). Cytogenetic location: 17q21.32.
Variant type: Duplication.
Coding change: c.812dup on transcript NM_000212.3 (MANE Select); coding-DNA position 812, one base duplicated (T; older notation c.812dupT).
Protein change: p.Leu271fs; shifts the reading frame from leucine 271.
Molecular consequence: frameshift variant.
Genome position (GRCh38, 1-based): chr17:47,287,104, T duplicated; the last of 2 consecutive T bases (chr17:47,287,103-47,287,104); duplicating either gives the same sequence. VCF-style (leftmost placement, unchanged base first): chr17-47287102-C-CT. GRCh37 (hg19) VCF-style: chr17-45364468-C-CT.
Other names: NM_000212.3:c.812dup; short protein forms L271fs.
Identifiers: ClinVar variation 2498362 (VCV002498362.2), dbSNP rs2547617042, ClinGen allele CA915940807.
Genomic context (GRCh38, chr17:47,287,102, plus strand): 5'-GCCTTTGTTTTTTGTTTTCTTTTAACAGGAAAAGATTGGCTGGAGGAATGATGCATCCCA[C>CT]TTGCTGGTGTTTACCACTGATGCCAAGACTCATATAGCATTGGACGGAAGGCTGGCAGGC-3'